The following is an entry in ClinVar:

ClinVar aggregate classification (germline): Uncertain significance (1 of 4 stars; one submission).

Conditions:
Cardiovascular phenotype. Identifiers: MedGen CN230736.

gnomAD v4.1: 5 of 1,614,038 alleles (0.00031%); highest among the groups gnomAD compares: African/African-American, 0.0027%; no homozygotes.

Submission:

Ambry Genetics
Classification: Uncertain significance for Cardiovascular phenotype. Last evaluated: 2024-03-24. Review status: criteria provided, single submitter. Criteria: Ambry Variant Classification Scheme 2023. Collection method: clinical testing. Allele origin: germline.
Comment: The p.I2054T variant (also known as c.6161T>C), located in coding exon 26 of the APOB gene, results from a T to C substitution at nucleotide position 6161. The isoleucine at codon 2054 is replaced by threonine, an amino acid with similar properties. This amino acid position is conserved. In addition, this alteration is predicted to be tolerated by in silico analysis. Based on the available evidence, the clinical significance of this alteration remains unclear.

NM_000384.3(APOB):c.6161T>C (p.Ile2054Thr)

Gene: APOB (apolipoprotein B; minus strand). Cytogenetic location: 2p24.1.
Variant type: single nucleotide variant.
Coding change: c.6161T>C on transcript NM_000384.3 (MANE Select); coding-DNA position 6161, T replaced by C.
Protein change: p.Ile2054Thr; replaces isoleucine 2054 with threonine.
Molecular consequence: missense variant.
Genome position (GRCh38, 1-based): chr2:21,010,707, A>G on the plus strand (T>C on the coding strand, the complement: APOB is on the minus strand). VCF-style: chr2-21010707-A-G. GRCh37 (hg19) VCF-style: chr2-21233579-A-G.
Other names: short protein forms I2054T.
Identifiers: ClinVar variation 3307470 (VCV003307470.1).